The following is an entry in ClinVar:

ClinVar aggregate classification (germline): Uncertain significance (1 of 4 stars; one submission).

gnomAD v4.1: 1 of 1,613,864 alleles (0.000062%); highest among the groups gnomAD compares: Non-Finnish European, 0.000085%; no homozygotes.

Submission:

GeneDx
Classification: Uncertain significance. Last evaluated: 2026-03-16. Review status: criteria provided, single submitter. Criteria: GeneDx Variant Classification Process June 2021. Collection method: clinical testing. Allele origin: germline.
Comment: Not observed at significant frequency in large population cohorts (gnomAD); In silico analysis suggests that this missense variant does not alter protein structure/function; Has not been previously published as pathogenic or benign to our knowledge

NM_183357.3(ADCY5):c.2948A>G (p.Lys983Arg)

Gene: ADCY5 (adenylate cyclase 5; minus strand). Cytogenetic location: 3q21.1.
Variant type: single nucleotide variant.
Coding change: c.2948A>G on transcript NM_183357.3 (MANE Select); coding-DNA position 2948, A replaced by G.
Protein change: p.Lys983Arg; replaces lysine 983 with arginine.
Molecular consequence: missense variant.
Genome position (GRCh38, 1-based): chr3:123,296,199, T>C on the plus strand (A>G on the coding strand, the complement: ADCY5 is on the minus strand). VCF-style: chr3-123296199-T-C. GRCh37 (hg19) VCF-style: chr3-123015046-T-C.
Other names: c.1898A>G, p.Lys633Arg (NM_001199642.1); c.3023A>G, p.Lys1008Arg (NM_001378259.1); short protein forms K633R, K983R, K1008R.
Identifiers: ClinVar variation 5009267 (VCV005009267.1).